The following is an entry in ClinVar:

ClinVar aggregate classification (germline): Uncertain significance (1 of 4 stars; one submission).

Conditions:
Emery-Dreifuss muscular dystrophy 5, autosomal dominant (EDMD5). Also called: EMERY-DREIFUSS MUSCULAR DYSTROPHY 5. Identifiers: Orphanet 261, MedGen C2751805, MONDO:0013072, OMIM 612999.

Submission:

Labcorp Genetics (formerly Invitae), Labcorp
Classification: Uncertain significance for Emery-Dreifuss muscular dystrophy 5, autosomal dominant. Last evaluated: 2022-12-15. Review status: criteria provided, single submitter. Criteria: Invitae Variant Classification Sherloc (09022015). Collection method: clinical testing. Allele origin: germline.
Comment: In summary, the available evidence is currently insufficient to determine the role of this variant in disease. Therefore, it has been classified as a Variant of Uncertain Significance. This sequence change replaces arginine, which is basic and polar, with threonine, which is neutral and polar, at codon 4555 of the SYNE2 protein (p.Arg4555Thr). This variant is not present in population databases (gnomAD no frequency). This variant has not been reported in the literature in individuals affected with SYNE2-related conditions. Algorithms developed to predict the effect of missense changes on protein structure and function (SIFT, PolyPhen-2, Align-GVGD) all suggest that this variant is likely to be tolerated.

NM_182914.3(SYNE2):c.13664G>C (p.Arg4555Thr)

Gene: SYNE2 (spectrin repeat containing nuclear envelope protein 2; plus strand). Cytogenetic location: 14q23.2.
Variant type: single nucleotide variant.
Coding change: c.13664G>C on transcript NM_182914.3 (MANE Select); coding-DNA position 13664, G replaced by C.
Protein change: p.Arg4555Thr; replaces arginine 4555 with threonine.
Molecular consequence: missense variant.
Genome position (GRCh38, 1-based): chr14:64,126,436, G>C. VCF-style: chr14-64126436-G-C. GRCh37 (hg19) VCF-style: chr14-64593154-G-C.
Other names: c.13664G>C, p.Arg4555Thr (NM_015180.6); short protein forms R4555T.
Identifiers: ClinVar variation 2984977 (VCV002984977.3), dbSNP rs2549179979, ClinGen allele CA389970622.